The following is an entry in ClinVar:

ClinVar aggregate classification (germline): Uncertain significance (1 of 4 stars; one submission).

gnomAD v4.1: 2 of 1,613,612 alleles (0.00012%); highest among the groups gnomAD compares: Non-Finnish European, 0.00017%; no homozygotes.

Submission:

Ambry Genetics
Classification: Uncertain significance. Last evaluated: 2026-08-27. Review status: criteria provided, single submitter. Criteria: Ambry Variant Classification Scheme 2023. Collection method: clinical testing. Allele origin: germline.
Comment: The p.R769K variant (also known as c.2306G>A), located in coding exon 13 of the GEN1 gene, results from a G to A substitution at nucleotide position 2306. The arginine at codon 769 is replaced by lysine, an amino acid with highly similar properties. This amino acid position is conserved. In addition, this alteration is predicted to be tolerated by in silico analysis. Based on the available evidence, the clinical significance of this variant remains unclear.

NM_001130009.3(GEN1):c.2306G>A (p.Arg769Lys)

Gene: GEN1 (GEN1 structure-specific endonuclease; plus strand). Cytogenetic location: 2p24.2.
Variant type: single nucleotide variant.
Coding change: c.2306G>A on transcript NM_001130009.3 (MANE Select); coding-DNA position 2306, G replaced by A.
Protein change: p.Arg769Lys; replaces arginine 769 with lysine.
Molecular consequence: missense variant.
Genome position (GRCh38, 1-based): chr2:17,781,518, G>A. VCF-style: chr2-17781518-G-A. GRCh37 (hg19) VCF-style: chr2-17962785-G-A.
Other names: c.2306G>A, p.Arg769Lys (NM_182625.5); short protein forms R769K.
Identifiers: ClinVar variation 5022345 (VCV005022345.1).